The following is an entry in ClinVar:

NM_006218.4(PIK3CA):c.1193G>A (p.Arg398His)

Gene: PIK3CA (phosphatidylinositol-4,5-bisphosphate 3-kinase catalytic subunit alpha; plus strand). Cytogenetic location: 3q26.32.
Variant type: single nucleotide variant.
Coding change: c.1193G>A on transcript NM_006218.4 (MANE Select); coding-DNA position 1193, G replaced by A.
Protein change: p.Arg398His; replaces arginine 398 with histidine.
Molecular consequence: missense variant.
Genome position (GRCh38, 1-based): chr3:179,209,642, G>A. VCF-style: chr3-179209642-G-A. GRCh37 (hg19) VCF-style: chr3-178927430-G-A.
Other names: c.1193G>A (LRG_310t1); short protein forms R398H.
Identifiers: ClinVar variation 403916 (VCV000403916.13), dbSNP rs748197872, ClinGen allele CA2710673.

ClinVar aggregate classification (germline): Uncertain significance (1 of 4 stars; one submission).

Conditions:
Cowden syndrome (CS). Also called: Cowden's disease; Cowden's syndrome; Cowden disease. Identifiers: Orphanet 201, MedGen C0018553, MONDO:0016063. Disease mechanism: gain of function.

Allele frequency attached by ClinVar (database versions not stated): gnomAD exomes below 0.00001; ExAC 0.00001; TOPMed 0.00001.
gnomAD v4.1: 1 of 1,612,262 alleles (0.000062%); highest among the groups gnomAD compares: South Asian, 0.0011%; no homozygotes.

Submission:

Labcorp Genetics (formerly Invitae), Labcorp
Classification: Uncertain significance for Cowden syndrome. Last evaluated: 2019-03-19. Review status: criteria provided, single submitter. Criteria: Invitae Variant Classification Sherloc (09022015). Collection method: clinical testing. Allele origin: germline.
Comment: In summary, this variant is a rare missense change with uncertain impact on protein function. There is no indication that it causes disease, but the available evidence is currently insufficient to prove that conclusively. Therefore, it has been classified as a Variant of Uncertain Significance. Algorithms developed to predict the effect of missense changes on protein structure and function do not agree on the potential impact of this missense change (SIFT: "Deleterious"; PolyPhen-2: "Possibly Damaging"; Align-GVGD: "Class C0"). This variant is present in population databases (rs748197872, ExAC <0.01%) but has not been reported in the literature in individuals with a PIK3CA-related disease. This sequence change replaces arginine with histidine at codon 398 of the PIK3CA protein (p.Arg398His). The arginine residue is highly conserved and there is a small physicochemical difference between arginine and histidine.